The following is an entry in ClinVar:

NM_198525.3(KIF7):c.1522G>T (p.Ala508Ser)

Gene: KIF7 (kinesin family member 7; minus strand). Cytogenetic location: 15q26.1.
Variant type: single nucleotide variant.
Coding change: c.1522G>T on transcript NM_198525.3 (MANE Select); coding-DNA position 1522, G replaced by T.
Protein change: p.Ala508Ser; replaces alanine 508 with serine.
Molecular consequence: missense variant.
Genome position (GRCh38, 1-based): chr15:89,647,634, C>A on the plus strand (G>T on the coding strand, the complement: KIF7 is on the minus strand). VCF-style: chr15-89647634-C-A. GRCh37 (hg19) VCF-style: chr15-90190865-C-A.
Other names: short protein forms A508S.
Identifiers: ClinVar variation 1504768 (VCV001504768.6), dbSNP rs764052631, ClinGen allele CA7728544.

ClinVar aggregate classification (germline): Uncertain significance (1 of 4 stars; one submission).

Conditions:
Acrocallosal syndrome (ACLS). Also called: HALLUX DUPLICATION, POSTAXIAL POLYDACTYLY, AND ABSENCE OF CORPUS CALLOSUM; Schinzel syndrome 1; Absence of corpus callosum with unusual facial appearance, mental deficiency, duplication of the halluces and polydactyly. Identifiers: Orphanet 36, MedGen C0796147, MONDO:0008708, OMIM 200990.

Allele frequency attached by ClinVar (database versions not stated): gnomAD exomes below 0.00001 and 0.00001; ExAC 0.00001.
gnomAD v4.1: 14 of 1,612,020 alleles (0.00087%); highest among the groups gnomAD compares: Middle Eastern, 0.066%; no homozygotes.

Submission:

Labcorp Genetics (formerly Invitae), Labcorp
Classification: Uncertain significance for Acrocallosal syndrome. Last evaluated: 2022-06-13. Review status: criteria provided, single submitter. Criteria: Invitae Variant Classification Sherloc (09022015). Collection method: clinical testing. Allele origin: germline.
Comment: In summary, the available evidence is currently insufficient to determine the role of this variant in disease. Therefore, it has been classified as a Variant of Uncertain Significance. Algorithms developed to predict the effect of missense changes on protein structure and function are either unavailable or do not agree on the potential impact of this missense change (SIFT: "Deleterious"; PolyPhen-2: "Possibly Damaging"; Align-GVGD: "Class C0"). This variant has not been reported in the literature in individuals affected with KIF7-related conditions. This variant is present in population databases (rs764052631, gnomAD 0.0009%). This sequence change replaces alanine, which is neutral and non-polar, with serine, which is neutral and polar, at codon 508 of the KIF7 protein (p.Ala508Ser).